The following is an entry in ClinVar:

NM_025114.4(CEP290):c.7282_7286dup (p.Tyr2429Ter)

Genes: CEP290 (centrosomal protein 290; minus strand), RLIG1 (RNA 5'-phosphate and 3'-OH ligase 1; plus strand). Cytogenetic location: 12q21.32.
Variant type: Duplication.
Coding change: c.7282_7286dup on transcript NM_025114.4 (MANE Select); coding-DNA positions 7282 to 7286, 5 bases duplicated (AAGTA; older notation c.7282_7286dupAAGTA).
Protein change: p.Tyr2429Ter; replaces tyrosine 2429 with a stop codon.
Molecular consequence: nonsense. On other transcripts: 3 prime UTR variant (1).
Genome position (GRCh38, 1-based): chr12:88,049,338-88,049,342, TACTT duplicated on the plus strand (AAGTA on the coding strand, the reverse complement: CEP290 is on the minus strand). VCF-style (leftmost placement, unchanged base first): chr12-88049337-A-ATACTT. GRCh37 (hg19) VCF-style: chr12-88443114-A-ATACTT.
Other names: c.*916_*920dup (NM_001009894.3); short protein forms Y2429*.
Identifiers: ClinVar variation 1698978 (VCV001698978.8), dbSNP rs2136546576, ClinGen allele CA2573130274.

ClinVar aggregate classification (germline): Pathogenic. Review status: criteria provided, multiple submitters, no conflicts (2 of 4 stars). 2 submissions from 2 submitters: Pathogenic (2). Last evaluated 2022-06-24.

Conditions:
Nephronophthisis. Also called: Juvenile Nephronophthisis. Identifiers: Orphanet 655, MedGen C0687120, MONDO:0019005, HP:0000090.
Meckel-Gruber syndrome. Also called: DYSENCEPHALIA SPLANCHNOCYSTICA; GRUBER SYNDROME; Dysencephalia splachnocystica. Identifiers: Orphanet 564, MedGen C0265215, MONDO:0018921.
Joubert syndrome. Also called: CEREBELLOPARENCHYMAL DISORDER IV; JOUBERT-BOLTSHAUSER SYNDROME; Familial aplasia of the vermis. Identifiers: Orphanet 475, MedGen C5979921, MONDO:0018772.
Joubert syndrome 5 (JBTS5). Identifiers: Orphanet 2318, MedGen C1857780, MONDO:0012432, OMIM 610188.

Allele frequency attached by ClinVar (database versions not stated): gnomAD exomes below 0.00001.

Submissions (2):

Victorian Clinical Genetics Services, Murdoch Childrens Research Institute
Classification: Pathogenic for Joubert syndrome 5. Last evaluated: 2022-06-24. Review status: criteria provided, single submitter. Criteria: ACMG Guidelines, 2015. Collection method: clinical testing. Allele origin: germline. Inheritance: Autosomal recessive inheritance.
Comment: Based on the classification scheme VCGS_Germline_v1.3.4, this variant is classified as Pathogenic. Following criteria are met: 0102 - Loss of function is a known mechanism of disease in this gene and is associated with Joubert syndrome 5 (MIM#610188), Leber congenital amaurosis 10 (MIM#611755), Meckel syndrome 4 (MIM#611134), Senior-Loken syndrome 6 (MIM#610189). (I) 0106 - This gene is associated with autosomal recessive disease. (I) 0205 - Variant is predicted to result in a truncated protein (premature termination codon is NOT located at least 54 nucleotides upstream of the final exon-exon junction) with less than 1/3 of the protein sequence affected. (SP) 0251 - This variant is heterozygous. (I) 0304 - Variants that have alternative nucleotide changes but result in the same p.(Y2429*) are present in gnomAD (v2) <0.01 for a recessive condition (total alleles: 11 heterozygotes, 0 homozygotes). (SP) 0600 - Variant is predicted to truncate the last 51 amino acids of the protein (DECIPHER). (I) 0701 - Other truncated variants comparable to the one identified in this case have very strong previous evidence for pathogenicity (ClinVar). (SP) 0802 - This variant has moderate previous evidence of pathogenicity in unrelated individuals. This exact variant is not reported. However two other variants which result in the same protein change (c.7287T>A; p.(Y2429*) and c.7283_7286dup; p.(Y2429*)) have been reported as likely pathogenic and pathogenic (ClinVar). (SP) 1208 - Inheritance information for this variant is not currently available in this individual. (I) Legend: (SP) - Supporting pathogenic, (I) - Information, (SB) - Supporting benign

Labcorp Genetics (formerly Invitae), Labcorp
Classification: Pathogenic for Joubert syndrome; Meckel-Gruber syndrome; Nephronophthisis. Last evaluated: 2022-05-21. Review status: criteria provided, single submitter. Criteria: Invitae Variant Classification Sherloc (09022015). Collection method: clinical testing. Allele origin: germline.
Comment: For these reasons, this variant has been classified as Pathogenic. This variant disrupts a region of the CEP290 protein in which other variant(s) (p.Leu2448Thrfs*8) have been determined to be pathogenic (PMID: 16682973, 16909394, 29588463). This suggests that this is a clinically significant region of the protein, and that variants that disrupt it are likely to be disease-causing. This variant has not been reported in the literature in individuals affected with CEP290-related conditions. This variant is not present in population databases (gnomAD no frequency). This sequence change creates a premature translational stop signal (p.Tyr2429*) in the CEP290 gene. While this is not anticipated to result in nonsense mediated decay, it is expected to disrupt the last 51 amino acid(s) of the CEP290 protein.

Literature cited by the submitters: PubMed 16682973 (cited by Labcorp Genetics (formerly Invitae), Labcorp); PubMed 16909394 (cited by Labcorp Genetics (formerly Invitae), Labcorp); PubMed 29588463 (cited by Labcorp Genetics (formerly Invitae), Labcorp).